The following is an entry in ClinVar:

NM_000138.5(FBN1):c.1961-3T>A

Gene: FBN1 (fibrillin 1; minus strand). Cytogenetic location: 15q21.1.
Variant type: single nucleotide variant.
Coding change: c.1961-3T>A on transcript NM_000138.5 (MANE Select); 3 bases into the intron before coding-DNA position 1961, T replaced by A.
Molecular consequence: intron variant.
Genome position (GRCh38, 1-based): chr15:48,503,942, A>T on the plus strand (T>A on the coding strand, the complement: FBN1 is on the minus strand). VCF-style: chr15-48503942-A-T. GRCh37 (hg19) VCF-style: chr15-48796139-A-T.
Other names: c.1961-3T>A (NM_001406716.1).
Identifiers: ClinVar variation 4757349 (VCV004757349.1).

ClinVar aggregate classification (germline): Uncertain significance (1 of 4 stars; one submission).

Conditions:
Familial thoracic aortic aneurysm and aortic dissection (TAAD). Also called: Thoracic aortic aneurysms and dissections. Identifiers: Orphanet 91387, MedGen C4707243, MONDO:0019625.

gnomAD v4.1: 1 of 1,614,102 alleles (0.000062%); highest among the groups gnomAD compares: Non-Finnish European, 0.000085%; no homozygotes.

Submission:

Color Diagnostics, LLC DBA Color Health
Classification: Uncertain significance for Familial thoracic aortic aneurysm and aortic dissection. Last evaluated: 2025-06-26. Review status: criteria provided, single submitter. Criteria: ACMG Guidelines, 2015. Collection method: clinical testing. Allele origin: germline.
Comment: This variant causes a T to A nucleotide substitution at the -3 position of intron 16 of the FBN1 gene. Splice site prediction tools predict that this variant may have a significant impact on RNA splicing. To our knowledge, RNA studies have not been reported for this variant. This variant has not been reported in individuals affected with FBN1-related disorders in the literature. This variant has not been identified in the general population by the Genome Aggregation Database (gnomAD). The available evidence is insufficient to determine the role of this variant in disease conclusively. Therefore, this variant is classified as a Variant of Uncertain Significance.